The following is an entry in ClinVar:

NM_170606.3(KMT2C):c.307C>T (p.Gln103Ter)

Gene: KMT2C (lysine methyltransferase 2C; minus strand). Cytogenetic location: 7q36.1.
Variant type: single nucleotide variant.
Coding change: c.307C>T on transcript NM_170606.3 (MANE Select); coding-DNA position 307, C replaced by T.
Protein change: p.Gln103Ter; replaces glutamine 103 with a stop codon.
Molecular consequence: nonsense.
Genome position (GRCh38, 1-based): chr7:152,330,683, G>A on the plus strand (C>T on the coding strand, the complement: KMT2C is on the minus strand). VCF-style: chr7-152330683-G-A. GRCh37 (hg19) VCF-style: chr7-152027768-G-A.
Other names: c.307C>T (NM_170606.2); short protein forms Q103*.
Identifiers: ClinVar variation 3236497 (VCV003236497.3).
Genomic context (GRCh38, chr7:152,330,683, plus strand): 5'-CAGAGACCAGGGAGTTTGCCGATTCCTCAGACACAGATCGCTGAAGAGTTGGAATTAGCT[G>A]TTTGCTGTTATCCACTTCTGCTTCAGCATCCTCTTCTGCAGATTGTTCTTTGATTTCTGC-3'

ClinVar aggregate classification (germline): Pathogenic (1 of 4 stars; one submission).
ClinVar aggregate classification (oncogenicity): Likely oncogenic (1 of 4 stars; one submission).

Conditions:
Syndromic intellectual disability. Also called: Intellectual disability syndrome. Identifiers: Orphanet 183763, MedGen C5680525, MONDO:0000508.
KMT2C-related NDD.
Neoplasm. Also called: Neoplasms; Neoplasm (disease); tumor. Identifiers: MedGen C0027651, MeSH D009369, MONDO:0005070, HP:0002664.

Submissions (2):

Center for Genomic Medicine, Rigshospitalet, Copenhagen University Hospital
Classification: Likely oncogenic for Neoplasm. Last evaluated: 2025-03-04. Review status: criteria provided, single submitter. Criteria: ClinGen/CGC/VICC Guidelines for Oncogenicity, 2022. Collection method: clinical testing. Allele origin: somatic. Affected: yes.

Laboratory of Genetics, Children's Clinical University Hospital Latvia
Classification: Pathogenic for KMT2C-related NDD. Review status: criteria provided, single submitter. Criteria: ACMG Guidelines, 2015. Collection method: research. Allele origin: de novo. Affected: yes.

Literature cited by the submitters: PubMed 39013459 (cited by Laboratory of Genetics, Children's Clinical University Hospital Latvia).